The following is an entry in ClinVar:

ClinVar aggregate classification (germline): Uncertain significance. Review status: criteria provided, multiple submitters, no conflicts (2 of 4 stars). 2 submissions from 2 submitters: Uncertain significance (2). Last evaluated 2025-09-04.

Conditions:
Hereditary cancer-predisposing syndrome. Also called: Neoplastic Syndromes, Hereditary; Hereditary Cancer Syndrome; Hereditary neoplastic syndrome; Tumor predisposition. Identifiers: Orphanet 140162, MedGen C0027672, MeSH D009386, MONDO:0015356.
Cardiovascular phenotype. Identifiers: MedGen CN230736.
Neurofibromatosis, type 1 (NF1). Also called: NEUROFIBROMATOSIS, TYPE I, SOMATIC; VON RECKLINGHAUSEN DISEASE; Neurofibromatosis, type I; Peripheral type neurofibromatosis. Identifiers: Orphanet 636, MedGen C0027831, MONDO:0018975, OMIM 162200. Disease mechanism: loss of function.

Submissions (2):

Ambry Genetics
Classification: Uncertain significance for Cardiovascular phenotype; Hereditary cancer-predisposing syndrome. Last evaluated: 2025-09-04. Review status: criteria provided, single submitter. Criteria: Ambry Variant Classification Scheme 2023. Collection method: clinical testing. Allele origin: germline.
Comment: The p.A371V variant (also known as c.1112C>T), located in coding exon 10 of the NF1 gene, results from a C to T substitution at nucleotide position 1112. The alanine at codon 371 is replaced by valine, an amino acid with similar properties. This amino acid position is conserved. In addition, the in silico prediction for this alteration is inconclusive. Based on the available evidence, the clinical significance of this variant remains unclear.

Labcorp Genetics (formerly Invitae), Labcorp
Classification: Uncertain significance for Neurofibromatosis, type 1. Last evaluated: 2022-08-15. Review status: criteria provided, single submitter. Criteria: Invitae Variant Classification Sherloc (09022015). Collection method: clinical testing. Allele origin: germline.
Comment: In summary, the available evidence is currently insufficient to determine the role of this variant in disease. Therefore, it has been classified as a Variant of Uncertain Significance. Algorithms developed to predict the effect of missense changes on protein structure and function are either unavailable or do not agree on the potential impact of this missense change (SIFT: "Deleterious"; PolyPhen-2: "Probably Damaging"; Align-GVGD: "Class C0"). ClinVar contains an entry for this variant (Variation ID: 645986). This variant has not been reported in the literature in individuals affected with NF1-related conditions. This variant is not present in population databases (gnomAD no frequency). This sequence change replaces alanine, which is neutral and non-polar, with valine, which is neutral and non-polar, at codon 371 of the NF1 protein (p.Ala371Val).

NM_001042492.3(NF1):c.1112C>T (p.Ala371Val)

Gene: NF1 (neurofibromin 1; plus strand). Cytogenetic location: 17q11.2.
Variant type: single nucleotide variant.
Coding change: c.1112C>T on transcript NM_001042492.3 (MANE Select); coding-DNA position 1112, C replaced by T.
Protein change: p.Ala371Val; replaces alanine 371 with valine.
Molecular consequence: missense variant.
Genome position (GRCh38, 1-based): chr17:31,201,086, C>T. VCF-style: chr17-31201086-C-T. GRCh37 (hg19) VCF-style: chr17-29528104-C-T.
Other names: c.1112C>T, p.Ala371Val (NM_000267.4, NM_001128147.3); short protein forms A371V.
Identifiers: ClinVar variation 645986 (VCV000645986.6), dbSNP rs1597681991, ClinGen allele CA398996916.
Genomic context (GRCh38, chr17:31,201,086, plus strand): 5'-GGTTTTTATAGAACCTGCTTTTTAATCCAAGTAAGCCATTCTCAAGAGGCAGTCAGCCTG[C>T]AGATGTGGATCTAATGATTGACTGCCTTGTTTCTTGCTTTCGTATAAGCCCTCACAACAA-3'
Protein context (NP_001035957.1, residues 361-381): SKPFSRGSQP[Ala371Val]DVDLMIDCLV